The following is an entry in ClinVar:

ClinVar aggregate classification (germline): Uncertain significance (1 of 4 stars; one submission).

Conditions:
Immunodeficiency 104. Also called: Severe combined immunodeficiency, autosomal recessive, T cell-negative, B cell-positive, NK cell-positive; Severe Combined Immune Deficiency, Autosomal Recessive, TCell -Negative, B Cell-Positive, NK Cell-Positive, IL7R-Related; IMMUNODEFICIENCY 104, SEVERE COMBINED; SCID, AUTOSOMAL RECESSIVE, T CELL-NEGATIVE, B CELL-POSITIVE, NK CELL-POSITIVE. Identifiers: MedGen C5676890, MONDO:0012163, OMIM 608971.

Allele frequency attached by ClinVar (database versions not stated): gnomAD 0.00001.

Submission:

Labcorp Genetics (formerly Invitae), Labcorp
Classification: Uncertain significance for Immunodeficiency 104. Last evaluated: 2023-09-11. Review status: criteria provided, single submitter. Criteria: Invitae Variant Classification Sherloc (09022015). Collection method: clinical testing. Allele origin: germline.
Comment: This sequence change affects codon 388 of the IL7R mRNA. It is a 'silent' change, meaning that it does not change the encoded amino acid sequence of the IL7R protein. In summary, the available evidence is currently insufficient to determine the role of this variant in disease. Therefore, it has been classified as a Variant of Uncertain Significance. Algorithms developed to predict the effect of sequence changes on RNA splicing suggest that this variant may create or strengthen a splice site. This variant has not been reported in the literature in individuals affected with IL7R-related conditions. This variant is not present in population databases (gnomAD no frequency).

NM_002185.5(IL7R):c.1164A>G (p.Leu388=)

Gene: IL7R (interleukin 7 receptor; plus strand). Cytogenetic location: 5p13.2.
Variant type: single nucleotide variant.
Coding change: c.1164A>G on transcript NM_002185.5 (MANE Select); coding-DNA position 1164, A replaced by G.
Protein change: p.Leu388=; no amino-acid change (leucine 388 retained).
Molecular consequence: synonymous variant. On other transcripts: 3 prime UTR variant (1), non-coding transcript variant (1).
Genome position (GRCh38, 1-based): chr5:35,876,270, A>G. VCF-style: chr5-35876270-A-G. GRCh37 (hg19) VCF-style: chr5-35876372-A-G.
Other names: c.*281A>G (NM_001410734.1).
Identifiers: ClinVar variation 2755384 (VCV002755384.3), dbSNP rs1760213103, ClinGen allele CA444093580.